The following is an entry in ClinVar:

ClinVar aggregate classification (germline): Uncertain significance (1 of 4 stars; one submission).

Conditions:
Hereditary cancer-predisposing syndrome. Also called: Neoplastic Syndromes, Hereditary; Tumor predisposition; Hereditary Cancer Syndrome; Hereditary neoplastic syndrome. Identifiers: Orphanet 140162, MedGen C0027672, MeSH D009386, MONDO:0015356.

Submission:

Ambry Genetics
Classification: Uncertain significance for Hereditary cancer-predisposing syndrome. Last evaluated: 2024-08-19. Review status: criteria provided, single submitter. Criteria: Ambry Variant Classification Scheme 2023. Collection method: clinical testing. Allele origin: germline.
Comment: The p.Q1283H variant (also known as c.3849G>T), located in coding exon 19 of the BLM gene, results from a G to T substitution at nucleotide position 3849. The glutamine at codon 1283 is replaced by histidine, an amino acid with highly similar properties. This amino acid position is conserved. In addition, the in silico prediction for this alteration is inconclusive. Since supporting evidence is limited at this time, the clinical significance of this alteration remains unclear.

NM_000057.4(BLM):c.3849G>T (p.Gln1283His)

Gene: BLM (BLM RecQ like helicase; plus strand). Cytogenetic location: 15q26.1.
Variant type: single nucleotide variant.
Coding change: c.3849G>T on transcript NM_000057.4 (MANE Select); coding-DNA position 3849, G replaced by T.
Protein change: p.Gln1283His; replaces glutamine 1283 with histidine.
Molecular consequence: missense variant.
Genome position (GRCh38, 1-based): chr15:90,809,234, G>T. VCF-style: chr15-90809234-G-T. GRCh37 (hg19) VCF-style: chr15-91352464-G-T.
Other names: c.3849G>T, p.Gln1283His (NM_001287246.2); c.3456G>T, p.Gln1152His (NM_001287247.2); c.2724G>T, p.Gln908His (NM_001287248.2); short protein forms Q1152H, Q908H, Q1283H.
Identifiers: ClinVar variation 1735489 (VCV001735489.3), dbSNP rs140524886, ClinGen allele CA393849795.